The following is an entry in ClinVar:

ClinVar aggregate classification (germline): Uncertain significance (1 of 4 stars; one submission).

Conditions:
ALMS1-related disorder. Also called: ALMS1-related condition.

Submission:

PreventionGenetics, part of Exact Sciences
Classification: Uncertain significance for ALMS1-related condition. Last evaluated: 2025-12-31. Review status: criteria provided, single submitter. Criteria: ACMG Guidelines, 2015. Collection method: clinical testing. Allele origin: germline.
Comment: The ALMS1 c.10302A>T variant is predicted to result in the amino acid substitution p.Lys3434Asn. To our knowledge, this variant has not been reported in the literature or in a large population database (gnomAD), indicating this variant is rare. At this time, the clinical significance of this variant is uncertain due to the absence of conclusive functional and genetic evidence.

NM_001378454.1(ALMS1):c.10299A>T (p.Thr3433=)

Gene: ALMS1 (ALMS1 centrosome and basal body associated protein; plus strand). Cytogenetic location: 2p13.1.
Variant type: single nucleotide variant.
Coding change: c.10299A>T on transcript NM_001378454.1 (MANE Select); coding-DNA position 10299, A replaced by T.
Protein change: p.Thr3433=; no amino-acid change (threonine 3433 retained).
Molecular consequence: synonymous variant.
Genome position (GRCh38, 1-based): chr2:73,559,057, A>T. VCF-style: chr2-73559057-A-T. GRCh37 (hg19) VCF-style: chr2-73786184-A-T.
Other names: c.10302A>T, p.Thr3434= (NM_015120.4).
Identifiers: ClinVar variation 4994966 (VCV004994966.1).